The following is an entry in ClinVar:

ClinVar aggregate classification (germline): Uncertain significance (1 of 4 stars; one submission).

Allele frequency attached by ClinVar (database versions not stated): ExAC 0.00001; gnomAD 0.00001; TOPMed 0.00001; ESP Exome Variant Server 0.00008.
gnomAD v4.1: 40 of 1,613,650 alleles (0.0025%); highest among the groups gnomAD compares: Non-Finnish European, 0.0033%; 1 homozygote.

Submission:

GeneDx
Classification: Uncertain significance. Last evaluated: 2019-09-05. Review status: criteria provided, single submitter. Criteria: GeneDx Variant Classification Process June 2021. Collection method: clinical testing. Allele origin: germline. Affected: yes.
Comment: In silico analysis, which includes splice predictors and evolutionary conservation, supports that this variant does not alter protein structure/function; Has not been previously published as pathogenic or benign to our knowledge

NM_138927.4(SON):c.1422G>C (p.Val474=)

Gene: SON (SON DNA and RNA binding protein; plus strand). Cytogenetic location: 21q22.11.
Variant type: single nucleotide variant.
Coding change: c.1422G>C on transcript NM_138927.4 (MANE Select); coding-DNA position 1422, G replaced by C.
Protein change: p.Val474=; no amino-acid change (valine 474 retained).
Molecular consequence: synonymous variant. On other transcripts: non-coding transcript variant (1), intron variant (1).
Genome position (GRCh38, 1-based): chr21:33,550,653, G>C. VCF-style: chr21-33550653-G-C. GRCh37 (hg19) VCF-style: chr21-34922959-G-C.
Other names: c.1422G>C, p.Val474= (NM_001291411.2, NM_032195.3); c.244+4274G>C (NM_001291412.3).
Identifiers: ClinVar variation 1310212 (VCV001310212.2), dbSNP rs150736115, ClinGen allele CA10008893.